The following is an entry in ClinVar:

ClinVar aggregate classification (germline): Likely benign. Review status: criteria provided, multiple submitters, no conflicts (2 of 4 stars). 2 submissions from 2 submitters: Likely benign (2). Last evaluated 2026-03-01.

Conditions:
Xeroderma pigmentosum, group F (XPF). Also called: XERODERMA PIGMENTOSUM, COMPLEMENTATION GROUP F; ERCC4-Related Xeroderma Pigmentosum; XERODERMA PIGMENTOSUM, TYPE F; Xeroderma pigmentosum, type 6; XERODERMA PIGMENTOSUM VI; XP, GROUP F. Identifiers: MedGen C0268140, MONDO:0010215, OMIM 278760.
Cockayne syndrome. Identifiers: Orphanet 191, MedGen C0009207, MONDO:0016006.
Fanconi anemia complementation group Q. Identifiers: Orphanet 84, MedGen C3808988, MONDO:0014108, OMIM 615272.

Allele frequency attached by ClinVar (database versions not stated): TOPMed below 0.00001; ExAC 0.00003; ESP Exome Variant Server 0.00015.
gnomAD v4.1: 17 of 1,605,514 alleles (0.0011%); highest among the groups gnomAD compares: Non-Finnish European, 0.0013%; no homozygotes.

Submissions (2):

CeGaT Center for Human Genetics Tuebingen
Classification: Likely benign. Last evaluated: 2026-03-01. Review status: criteria provided, single submitter. Criteria: CeGaT Center For Human Genetics Tuebingen Variant Classification Criteria Version 2. Collection method: clinical testing. Allele origin: germline. Affected: yes. Observed: 1 variant allele.
Comment: ERCC4: BP4, BP7

Labcorp Genetics (formerly Invitae), Labcorp
Classification: Likely benign for Fanconi anemia complementation group Q; Xeroderma pigmentosum, group F; Cockayne syndrome. Last evaluated: 2022-12-25. Review status: criteria provided, single submitter. Criteria: Invitae Variant Classification Sherloc (09022015). Collection method: clinical testing. Allele origin: germline.

NM_005236.3(ERCC4):c.9A>C (p.Ser3=)

Genes: ERCC4 (ERCC excision repair 4, endonuclease catalytic subunit; plus strand), LOC130058543 (ATAC-STARR-seq lymphoblastoid active region 10486; plus strand). Cytogenetic location: 16p13.12.
Variant type: single nucleotide variant.
Coding change: c.9A>C on transcript NM_005236.3 (MANE Select); coding-DNA position 9, A replaced by C.
Protein change: p.Ser3=; no amino-acid change (serine 3 retained).
Molecular consequence: synonymous variant.
Genome position (GRCh38, 1-based): chr16:13,920,174, A>C. VCF-style: chr16-13920174-A-C. GRCh37 (hg19) VCF-style: chr16-14014031-A-C.
Identifiers: ClinVar variation 2924207 (VCV002924207.7), dbSNP rs375831794, ClinGen allele CA7910056.